The following is an entry in ClinVar:

ClinVar aggregate classification (germline): Uncertain significance (1 of 4 stars; one submission).

Submission:

Labcorp Genetics (formerly Invitae), Labcorp
Classification: Uncertain significance. Last evaluated: 2025-09-28. Review status: criteria provided, single submitter. Criteria: Invitae Variant Classification Sherloc (09022015). Collection method: clinical testing. Allele origin: germline.
Comment: This sequence change replaces serine, which is neutral and polar, with tyrosine, which is neutral and polar, at codon 190 of the TNFRSF11A protein (p.Ser190Tyr). This variant is not present in population databases (gnomAD no frequency). This variant has not been reported in the literature in individuals affected with TNFRSF11A-related conditions. Invitae Evidence Modeling of protein sequence and biophysical properties (such as structural, functional, and spatial information, amino acid conservation, physicochemical variation, residue mobility, and thermodynamic stability) has been performed for this missense variant. However, the output from this modeling did not meet the statistical confidence thresholds required to predict the impact of this variant on TNFRSF11A protein function. In summary, the available evidence is currently insufficient to determine the role of this variant in disease. Therefore, it has been classified as a Variant of Uncertain Significance.

NM_003839.4(TNFRSF11A):c.569C>A (p.Ser190Tyr)

Gene: TNFRSF11A (TNF receptor superfamily member 11a; plus strand). Cytogenetic location: 18q21.33.
Variant type: single nucleotide variant.
Coding change: c.569C>A on transcript NM_003839.4 (MANE Select); coding-DNA position 569, C replaced by A.
Protein change: p.Ser190Tyr; replaces serine 190 with tyrosine.
Molecular consequence: missense variant.
Genome position (GRCh38, 1-based): chr18:62,360,002, C>A. VCF-style: chr18-62360002-C-A. GRCh37 (hg19) VCF-style: chr18-60027235-C-A.
Other names: c.569C>A, p.Ser190Tyr (NM_001270949.2, NM_001270950.2, NM_001270951.2); c.527C>A, p.Ser176Tyr (NM_001278268.2); short protein forms S190Y, S176Y.
Identifiers: ClinVar variation 4740145 (VCV004740145.1).